The following is an entry in ClinVar:

ClinVar aggregate classification (germline): Uncertain significance (1 of 4 stars; one submission).

Submission:

Labcorp Genetics (formerly Invitae), Labcorp
Classification: Uncertain significance. Last evaluated: 2022-10-17. Review status: criteria provided, single submitter. Criteria: Invitae Variant Classification Sherloc (09022015). Collection method: clinical testing. Allele origin: germline.
Comment: In summary, the available evidence is currently insufficient to determine the role of this variant in disease. Therefore, it has been classified as a Variant of Uncertain Significance. This sequence change replaces valine, which is neutral and non-polar, with leucine, which is neutral and non-polar, at codon 607 of the LIFR protein (p.Val607Leu). This variant is not present in population databases (gnomAD no frequency). This variant has not been reported in the literature in individuals affected with LIFR-related conditions. Algorithms developed to predict the effect of missense changes on protein structure and function (SIFT, PolyPhen-2, Align-GVGD) all suggest that this variant is likely to be disruptive.

NM_001127671.2(LIFR):c.1819G>C (p.Val607Leu)

Gene: LIFR (LIF receptor subunit alpha; minus strand). Cytogenetic location: 5p13.1.
Variant type: single nucleotide variant.
Coding change: c.1819G>C on transcript NM_001127671.2 (MANE Select); coding-DNA position 1819, G replaced by C.
Protein change: p.Val607Leu; replaces valine 607 with leucine.
Molecular consequence: missense variant.
Genome position (GRCh38, 1-based): chr5:38,496,448, C>G on the plus strand (G>C on the coding strand, the complement: LIFR is on the minus strand). VCF-style: chr5-38496448-C-G. GRCh37 (hg19) VCF-style: chr5-38496550-C-G.
Other names: c.1819G>C, p.Val607Leu (NM_001364297.2, NM_001364298.2, NM_002310.6); short protein forms V607L.
Identifiers: ClinVar variation 2006495 (VCV002006495.4), dbSNP rs773256377, ClinGen allele CA359539780.